The following is an entry in ClinVar:

ClinVar aggregate classification (germline): Uncertain significance (1 of 4 stars; one submission).

Submission:

GeneDx
Classification: Uncertain significance. Last evaluated: 2024-06-13. Review status: criteria provided, single submitter. Criteria: GeneDx Variant Classification Process June 2021. Collection method: clinical testing. Allele origin: germline. Affected: yes.
Comment: Not observed at significant frequency in large population cohorts (gnomAD); In silico analysis indicates that this missense variant does not alter protein structure/function; Has not been previously published as pathogenic or benign to our knowledge

NM_001348800.3(ZBTB20):c.416A>C (p.Asp139Ala)

Gene: ZBTB20 (zinc finger and BTB domain containing 20; minus strand). Cytogenetic location: 3q13.31.
Variant type: single nucleotide variant.
Coding change: c.416A>C on transcript NM_001348800.3 (MANE Select); coding-DNA position 416, A replaced by C.
Protein change: p.Asp139Ala; replaces aspartic acid 139 with alanine.
Molecular consequence: missense variant.
Genome position (GRCh38, 1-based): chr3:114,351,662, T>G on the plus strand (A>C on the coding strand, the complement: ZBTB20 is on the minus strand). VCF-style: chr3-114351662-T-G. GRCh37 (hg19) VCF-style: chr3-114070509-T-G.
Other names: c.416A>C, p.Asp139Ala (NM_001164342.2, NM_001348803.3, NM_001393393.1 and 1 more transcripts); c.197A>C, p.Asp66Ala (NM_001164343.2, NM_001164344.4, NM_001164345.4 and 9 more transcripts); short protein forms D139A, D66A.
Identifiers: ClinVar variation 3390817 (VCV003390817.1).